The following is an entry in ClinVar:

NM_000152.5(GAA):c.1828G>T (p.Ala610Ser)

Gene: GAA (alpha glucosidase; plus strand). Cytogenetic location: 17q25.3.
Variant type: single nucleotide variant.
Coding change: c.1828G>T on transcript NM_000152.5 (MANE Select); coding-DNA position 1828, G replaced by T.
Protein change: p.Ala610Ser; replaces alanine 610 with serine.
Molecular consequence: missense variant.
Genome position (GRCh38, 1-based): chr17:80,112,651, G>T. VCF-style: chr17-80112651-G-T. GRCh37 (hg19) VCF-style: chr17-78086450-G-T.
Other names: c.1828G>T, p.Ala610Ser (NM_001079803.3, NM_001079804.3, NM_001406741.1 and 1 more transcripts); short protein forms A610S.
Identifiers: ClinVar variation 4847514 (VCV004847514.1).

ClinVar aggregate classification (germline): Uncertain significance (1 of 4 stars; one submission).

Submission:

Women's Health and Genetics/Laboratory Corporation of America, LabCorp
Classification: Uncertain significance. Last evaluated: 2026-03-03. Review status: criteria provided, single submitter. Criteria: LabCorp Variant Classification Summary - May 2015. Collection method: clinical testing. Allele origin: germline.
Comment: Variant summary: GAA c.1828G>T (p.Ala610Ser) results in a conservative amino acid change in the encoded protein sequence. Algorithms developed to predict the effect of missense changes on protein structure and function all suggest that this variant is likely to be tolerated. The variant was absent in 244884 control chromosomes. The available data on variant occurrences in the general population are insufficient to allow any conclusion about variant significance. To our knowledge, no occurrence of c.1828G>T in individuals affected with GAA-related conditions and no experimental evidence demonstrating its impact on protein function have been reported. A different variant affecting the same codon has been classified as pathogenic by our lab (c.1829C>T/p.Ala610Val), supporting the critical relevance of codon 610 to GAA protein function. No submitters have cited clinical-significance assessments for this variant to ClinVar. Based on the evidence outlined above, the variant was classified as uncertain significance.